The following is an entry in ClinVar:

ClinVar aggregate classification (germline): Uncertain significance. Review status: criteria provided, multiple submitters, no conflicts (2 of 4 stars). 4 submissions from 4 submitters: Uncertain significance (4). Last evaluated 2025-08-30.

Conditions:
Arrhythmogenic right ventricular dysplasia 8 (ARVD8). Also called: ARRHYTHMOGENIC RIGHT VENTRICULAR DYSPLASIA, FAMILIAL, 8; ARRHYTHMOGENIC RIGHT VENTRICULAR CARDIOMYOPATHY 8; Arrhythmogenic Right Ventricular Dysplasia/Cardiomyopathy 8. Identifiers: MedGen C1843896, MONDO:0011831, OMIM 607450.
Arrhythmogenic cardiomyopathy with wooly hair and keratoderma. Also called: PALMOPLANTAR KERATODERMA WITH LEFT VENTRICULAR CARDIOMYOPATHY AND WOOLLY HAIR; Arrhythmogenic cardiomyopathy with woolly hair and keratoderma; Dilated cardiomyopathy with woolly hair and keratoderma; Carvajal syndrome. Identifiers: Orphanet 65282, MedGen C1854063, MONDO:0011581, OMIM 605676.
Cardiovascular phenotype. Identifiers: MedGen CN230736.

Allele frequency attached by ClinVar (database versions not stated): gnomAD 0.00001; TOPMed 0.00001.

Submissions (4):

Labcorp Genetics (formerly Invitae), Labcorp
Classification: Uncertain significance for Arrhythmogenic cardiomyopathy with wooly hair and keratoderma; Arrhythmogenic right ventricular dysplasia 8. Last evaluated: 2025-08-30. Review status: criteria provided, single submitter. Criteria: Invitae Variant Classification Sherloc (09022015). Collection method: clinical testing. Allele origin: germline.
Comment: This sequence change replaces glutamic acid, which is acidic and polar, with glycine, which is neutral and non-polar, at codon 1314 of the DSP protein (p.Glu1314Gly). This variant is not present in population databases (gnomAD no frequency). This variant has not been reported in the literature in individuals affected with DSP-related conditions. ClinVar contains an entry for this variant (Variation ID: 2447303). An algorithm developed to predict the effect of missense changes on protein structure and function (PolyPhen-2) suggests that this variant is likely to be tolerated. In summary, the available evidence is currently insufficient to determine the role of this variant in disease. Therefore, it has been classified as a Variant of Uncertain Significance.

GeneDx
Classification: Uncertain significance. Last evaluated: 2025-07-24. Review status: criteria provided, single submitter. Criteria: GeneDx Variant Classification Process June 2021. Collection method: clinical testing. Allele origin: germline. Affected: yes.
Comment: Not observed at significant frequency in large population cohorts (gnomAD); In silico analysis supports that this missense variant has a deleterious effect on protein structure/function; Has not been previously published as pathogenic or benign to our knowledge

All of Us Research Program, National Institutes of Health
Classification: Uncertain significance for Arrhythmogenic cardiomyopathy with wooly hair and keratoderma. Last evaluated: 2024-04-16. Review status: criteria provided, single submitter. Criteria: ACMG Guidelines, 2015. Collection method: clinical testing. Allele origin: germline. Inheritance: Autosomal dominant inheritance. Observed: 1 variant allele, 1 heterozygote.
Comment: This missense variant replaces glutamic acid with glycine at codon 1314 of the DSP protein. Computational prediction suggests that this variant may not impact protein structure and function (internally defined REVEL score threshold <= 0.5, PMID: 27666373). To our knowledge, functional studies have not been reported for this variant. This variant has not been reported in individuals affected with DSP-related disorders in the literature. This variant has not been identified in the general population by the Genome Aggregation Database (gnomAD). The available evidence is insufficient to determine the role of this variant in disease conclusively. Therefore, this variant is classified as a Variant of Uncertain Significance.

This study involves interpretation of variants in research participants for the purpose of population health screening. Participant phenotype was not available at the time of variant classification. Additional details can be found in publication PMID: 35346344, PMCID: PMC8962531

Ambry Genetics
Classification: Uncertain significance for Cardiovascular phenotype. Last evaluated: 2022-12-23. Review status: criteria provided, single submitter. Criteria: Ambry Variant Classification Scheme 2023. Collection method: clinical testing. Allele origin: germline.
Comment: The p.E1314G variant (also known as c.3941A>G), located in coding exon 23 of the DSP gene, results from an A to G substitution at nucleotide position 3941. The glutamic acid at codon 1314 is replaced by glycine, an amino acid with similar properties. This amino acid position is conserved. In addition, the in silico prediction for this alteration is inconclusive. Since supporting evidence is limited at this time, the clinical significance of this alteration remains unclear.

NM_004415.4(DSP):c.3941A>G (p.Glu1314Gly)

Gene: DSP (desmoplakin; plus strand). Cytogenetic location: 6p24.3.
Variant type: single nucleotide variant.
Coding change: c.3941A>G on transcript NM_004415.4 (MANE Select); coding-DNA position 3941, A replaced by G.
Protein change: p.Glu1314Gly; replaces glutamic acid 1314 with glycine.
Molecular consequence: missense variant. On other transcripts: intron variant (1).
Genome position (GRCh38, 1-based): chr6:7,580,131, A>G. VCF-style: chr6-7580131-A-G. GRCh37 (hg19) VCF-style: chr6-7580364-A-G.
Other names: c.3941A>G, p.Glu1314Gly (NM_001319034.2); c.3582+359A>G (NM_001008844.3); short protein forms E1314G.
Identifiers: ClinVar variation 2447303 (VCV002447303.6), dbSNP rs1407070331, ClinGen allele CA362685191.